The following is an entry in ClinVar:

ClinVar aggregate classification (germline): Likely benign. Review status: criteria provided, multiple submitters, no conflicts (2 of 4 stars). 3 submissions from 3 submitters: Likely benign (3). Last evaluated 2025-01-23.

Conditions:
Cardiovascular phenotype. Identifiers: MedGen CN230736.
Dilated cardiomyopathy 1DD (CMD1DD). Identifiers: Orphanet 154, MedGen C2750995, MONDO:0013168, OMIM 613172.

Allele frequency attached by ClinVar (database versions not stated): gnomAD exomes below 0.00001; gnomAD 0.00001; TOPMed 0.00001.
gnomAD v4.1: 5 of 1,551,474 alleles (0.00032%); highest among the groups gnomAD compares: African/African-American, 0.0014%; no homozygotes.

Submissions (3):

Labcorp Genetics (formerly Invitae), Labcorp
Classification: Likely benign for Dilated cardiomyopathy 1DD. Last evaluated: 2025-01-23. Review status: criteria provided, single submitter. Criteria: Invitae Variant Classification Sherloc (09022015). Collection method: clinical testing. Allele origin: germline.

Ambry Genetics
Classification: Likely benign for Cardiovascular phenotype. Last evaluated: 2021-02-15. Review status: criteria provided, single submitter. Criteria: Ambry Variant Classification Scheme 2023. Collection method: clinical testing. Allele origin: germline.

Laboratory for Molecular Medicine, Mass General Brigham Personalized Medicine
Classification: Likely benign. Last evaluated: 2015-08-03. Review status: criteria provided, single submitter. Criteria: LMM Criteria. Collection method: clinical testing. Allele origin: germline. Observed: 1 variant allele.
Comment: p.Thr200Thr in exon 2 of RBM20: This variant is not expected to have clinical si gnificance because it does not alter an amino acid residue and is not located wi thin the splice consensus sequence.

NM_001134363.3(RBM20):c.600T>G (p.Thr200=)

Gene: RBM20 (RNA binding motif protein 20; plus strand). Cytogenetic location: 10q25.2.
Variant type: single nucleotide variant.
Coding change: c.600T>G on transcript NM_001134363.3 (MANE Select); coding-DNA position 600, T replaced by G.
Protein change: p.Thr200=; no amino-acid change (threonine 200 retained).
Molecular consequence: synonymous variant.
Genome position (GRCh38, 1-based): chr10:110,781,209, T>G. VCF-style: chr10-110781209-T-G. GRCh37 (hg19) VCF-style: chr10-112540967-T-G.
Identifiers: ClinVar variation 227896 (VCV000227896.11), dbSNP rs876657571, ClinGen allele CA10576759.